The following is an entry in ClinVar:

NM_022725.4(FANCF):c.1A>T (p.Met1Leu)

Gene: FANCF (FA complementation group F; minus strand). Cytogenetic location: 11p14.3.
Variant type: single nucleotide variant.
Coding change: c.1A>T on transcript NM_022725.4 (MANE Select); coding-DNA position 1, A replaced by T.
Protein change: p.Met1Leu; changes the start codon (methionine 1).
Molecular consequence: missense variant, initiator codon variant.
Genome position (GRCh38, 1-based): chr11:22,625,810, T>A on the plus strand (A>T on the coding strand, the complement: FANCF is on the minus strand). VCF-style: chr11-22625810-T-A. GRCh37 (hg19) VCF-style: chr11-22647356-T-A.
Other names: short protein forms M1L.
Identifiers: ClinVar variation 1691925 (VCV001691925.2), dbSNP rs1046564488, ClinGen allele CA380060192.

ClinVar aggregate classification (germline): Likely pathogenic (1 of 4 stars; one submission).

Conditions:
Fanconi anemia (FA). Also called: Fanconi's anemia. Identifiers: Orphanet 84, MedGen C0015625, MeSH D005199, MONDO:0019391.

Submission:

Sema4
Classification: Likely pathogenic for Fanconi anemia. Last evaluated: 2021-02-05. Review status: criteria provided, single submitter. Criteria: Sema4 Curation Guidelines. Collection method: curation. Allele origin: germline.
Comment: The FANCF c.1A>T (p.M1?) variant has not been reported in the literature to our knowledge. This variant affects the translation initiation start codon, therefore it is expected to result in absent or N-terminal truncated protein. This variant is not reported in the Genome Aggregation Database (PMID: 32461654). Based on the current evidence available, this variant is interpreted as likely pathogenic.